The following is an entry in ClinVar:

NM_005732.4(RAD50):c.3760A>G (p.Lys1254Glu)

Genes: RAD50 (RAD50 double strand break repair protein; plus strand), TH2-LCR (Th2 cytokine locus control region; plus strand), TH2LCRR (T helper type 2 locus control region associated RNA; minus strand). Cytogenetic location: 5q31.1.
Variant type: single nucleotide variant.
Coding change: c.3760A>G on transcript NM_005732.4 (MANE Select); coding-DNA position 3760, A replaced by G.
Protein change: p.Lys1254Glu; replaces lysine 1254 with glutamic acid.
Molecular consequence: missense variant.
Genome position (GRCh38, 1-based): chr5:132,642,185, A>G. VCF-style: chr5-132642185-A-G. GRCh37 (hg19) VCF-style: chr5-131977877-A-G.
Other names: c.3760A>G (NM_005732.3); short protein forms K1254E.
Identifiers: ClinVar variation 3654982 (VCV003654982.3).

ClinVar aggregate classification (germline): Uncertain significance. Review status: criteria provided, multiple submitters, no conflicts (2 of 4 stars). 2 submissions from 2 submitters: Uncertain significance (2). Last evaluated 2026-08-15.

Conditions:
Hereditary cancer-predisposing syndrome. Also called: Tumor predisposition; Hereditary neoplastic syndrome; Hereditary Cancer Syndrome; Neoplastic Syndromes, Hereditary. Identifiers: Orphanet 140162, MedGen C0027672, MeSH D009386, MONDO:0015356.

Submissions (2):

Ambry Genetics
Classification: Uncertain significance for Hereditary cancer-predisposing syndrome. Last evaluated: 2026-08-15. Review status: criteria provided, single submitter. Criteria: Ambry Variant Classification Scheme 2023. Collection method: clinical testing. Allele origin: germline.
Comment: The p.K1254E variant (also known as c.3760A>G), located in coding exon 25 of the RAD50 gene, results from an A to G substitution at nucleotide position 3760. The lysine at codon 1254 is replaced by glutamic acid, an amino acid with similar properties. This amino acid position is conserved. In addition, the in silico prediction for this alteration is inconclusive. Based on the available evidence, the clinical significance of this variant remains unclear.

Labcorp Genetics (formerly Invitae), Labcorp
Classification: Uncertain significance for Hereditary cancer-predisposing syndrome. Last evaluated: 2024-05-29. Review status: criteria provided, single submitter. Criteria: Invitae Variant Classification Sherloc (09022015). Collection method: clinical testing. Allele origin: germline.
Comment: This sequence change replaces lysine, which is basic and polar, with glutamic acid, which is acidic and polar, at codon 1254 of the RAD50 protein (p.Lys1254Glu). This variant is not present in population databases (gnomAD no frequency). This variant has not been reported in the literature in individuals affected with RAD50-related conditions. Advanced modeling of protein sequence and biophysical properties (such as structural, functional, and spatial information, amino acid conservation, physicochemical variation, residue mobility, and thermodynamic stability) performed at Invitae indicates that this missense variant is not expected to disrupt RAD50 protein function with a negative predictive value of 80%. In summary, the available evidence is currently insufficient to determine the role of this variant in disease. Therefore, it has been classified as a Variant of Uncertain Significance.